The following is an entry in ClinVar:

NM_006767.4(LZTR1):c.1369C>T (p.Gln457Ter)

Gene: LZTR1 (leucine zipper like post translational regulator 1; plus strand). Cytogenetic location: 22q11.21.
Variant type: single nucleotide variant.
Coding change: c.1369C>T on transcript NM_006767.4 (MANE Select); coding-DNA position 1369, C replaced by T.
Protein change: p.Gln457Ter; replaces glutamine 457 with a stop codon.
Molecular consequence: nonsense.
Genome position (GRCh38, 1-based): chr22:20,993,939, C>T. VCF-style: chr22-20993939-C-T. GRCh37 (hg19) VCF-style: chr22-21348228-C-T.
Other names: short protein forms Q457*.
Identifiers: ClinVar variation 3238068 (VCV003238068.4), dbSNP rs2518620392.

ClinVar aggregate classification (germline): Pathogenic. Review status: criteria provided, multiple submitters, no conflicts (2 of 4 stars). 3 submissions from 3 submitters: Pathogenic (3). Last evaluated 2026-01-23.

Conditions:
Noonan syndrome 2 (NS2). Identifiers: Orphanet 648, MedGen C1854469, MONDO:0011531, OMIM 605275.
Cardiovascular phenotype. Identifiers: MedGen CN230736.
Hereditary cancer-predisposing syndrome. Also called: Neoplastic Syndromes, Hereditary; Tumor predisposition; Hereditary Cancer Syndrome; Hereditary neoplastic syndrome. Identifiers: Orphanet 140162, MedGen C0027672, MeSH D009386, MONDO:0015356.

Allele frequency attached by ClinVar (database versions not stated): gnomAD exomes below 0.00001.
gnomAD v4.1: 4 of 1,612,306 alleles (0.00025%); highest among the groups gnomAD compares: Non-Finnish European, 0.00034%; no homozygotes.

Submissions (3):

3billion
Classification: Pathogenic for Noonan syndrome 2. Last evaluated: 2026-01-23. Review status: criteria provided, single submitter. Criteria: ACMG Guidelines, 2015. Collection method: clinical testing. Allele origin: germline. Affected: yes.
Comment: The variant is observed at an extremely low frequency in the gnomAD v4.1.0 dataset (total allele frequency: <0.001%). Predicted Consequence/Location: Stop-gained (nonsense): predicted to result in a loss or disruption of normal protein function through nonsense-mediated decay (NMD) or protein truncation. Multiple pathogenic variants are reported downstream of the variant. The variant has been reported at least twice as pathogenic without evidence for the classification (ClinVar ID: VCV003238068). Therefore, this variant is classified as Pathogenic according to the recommendation of ACMG/AMP guideline.

Labcorp Genetics (formerly Invitae), Labcorp
Classification: Pathogenic. Last evaluated: 2024-03-07. Review status: criteria provided, single submitter. Criteria: Invitae Variant Classification Sherloc (09022015). Collection method: clinical testing. Allele origin: germline.
Comment: This sequence change creates a premature translational stop signal (p.Gln457*) in the LZTR1 gene. It is expected to result in an absent or disrupted protein product. Loss-of-function variants in LZTR1 are known to be pathogenic (PMID: 24362817, 25335493, 25480913, 25795793, 29469822, 30368668, 30442762, 30442766, 30481304, 30859559). This variant is not present in population databases (gnomAD no frequency). This variant has not been reported in the literature in individuals affected with LZTR1-related conditions. For these reasons, this variant has been classified as Pathogenic.

Ambry Genetics
Classification: Pathogenic for Cardiovascular phenotype; Hereditary cancer-predisposing syndrome. Last evaluated: 2023-03-17. Review status: criteria provided, single submitter. Criteria: Ambry Variant Classification Scheme 2023. Collection method: clinical testing. Allele origin: germline.
Comment: The p.Q457* pathogenic mutation (also known as c.1369C>T), located in coding exon 13 of the LZTR1 gene, results from a C to T substitution at nucleotide position 1369. This changes the amino acid from a glutamine to a stop codon within coding exon 13. This alteration is expected to result in loss of function by premature protein truncation or nonsense-mediated mRNA decay. Loss-of-function variants in LZTR1 are related to an increased risk for schwannomas and autosomal recessive Noonan syndrome; however, such associations with autosomal dominant Noonan syndrome have not been observed (Piotrowski A et al. Nat Genet. 2014 Feb;46:182-7; Yamamoto GL et al. J Med Genet. 2015 Jun;52:413-21; Johnston JJ et al. Genet Med. 2018 10;20:1175-1185). Based on the supporting evidence, this variant is pathogenic for an increased risk of LZTR1-related schwannomatosis (SWN) and would be expected to cause autosomal recessive Noonan syndrome when present along with a second pathogenic or likely pathogenic variant on the other allele; however, the association of this alteration with autosomal dominant Noonan syndrome is unlikely.

Literature cited by the submitters: PubMed 24362817 (cited by Labcorp Genetics (formerly Invitae), Labcorp); PubMed 25335493 (cited by Labcorp Genetics (formerly Invitae), Labcorp); PubMed 25480913 (cited by Labcorp Genetics (formerly Invitae), Labcorp); PubMed 25795793 (cited by Labcorp Genetics (formerly Invitae), Labcorp); PubMed 29469822 (cited by Labcorp Genetics (formerly Invitae), Labcorp); PubMed 30368668 (cited by Labcorp Genetics (formerly Invitae), Labcorp); PubMed 30442762 (cited by Labcorp Genetics (formerly Invitae), Labcorp); PubMed 30442766 (cited by Labcorp Genetics (formerly Invitae), Labcorp); PubMed 30481304 (cited by Labcorp Genetics (formerly Invitae), Labcorp); PubMed 30859559 (cited by Labcorp Genetics (formerly Invitae), Labcorp).